The following is an entry in ClinVar:

NM_020778.5(ALPK3):c.-43G>A

Gene: ALPK3 (alpha kinase 3; plus strand). Cytogenetic location: 15q25.3.
Variant type: single nucleotide variant.
Coding change: c.-43G>A on transcript NM_020778.5 (MANE Select); 43 bases upstream of the start codon, G replaced by A.
Molecular consequence: 5 prime UTR variant.
Genome position (GRCh38, 1-based): chr15:84,817,410, G>A. VCF-style: chr15-84817410-G-A. GRCh37 (hg19) VCF-style: chr15-85360641-G-A.
Identifiers: ClinVar variation 390021 (VCV000390021.11), dbSNP rs949112384, ClinGen allele CA16607025.
Genomic context (GRCh38, chr15:84,817,410, plus strand): 5'-GCGGGCGGGAGCGGCGGCGGCGGGCAGGGGCCCGGGGGCCGGGGCCTGGAGGACAGGCGA[G>A]GCAGCGGCGAGTGCGGGGCCGGCGGTCGGGGAGGGCGGTGCCATGGGGTCGCGGAGGGCC-3'

ClinVar aggregate classification (germline): Likely benign. Review status: criteria provided, multiple submitters, no conflicts (2 of 4 stars). 4 submissions from 4 submitters: Likely benign (4). Last evaluated 2026-02-03.

Conditions:
Cardiovascular phenotype. Identifiers: MedGen CN230736.

Allele frequency attached by ClinVar (database versions not stated): gnomAD 0.00013; TOPMed 0.00030.
gnomAD v4.1: 371 of 1,241,650 alleles (0.03%); highest among the groups gnomAD compares: Middle Eastern, 0.031%; 4 homozygotes.

Submissions (4):

Labcorp Genetics (formerly Invitae), Labcorp
Classification: Likely benign. Last evaluated: 2026-02-03. Review status: criteria provided, single submitter. Criteria: Invitae Variant Classification Sherloc (09022015). Collection method: clinical testing. Allele origin: germline.

Blueprint Genetics
Classification: Likely benign. Last evaluated: 2024-11-01. Review status: criteria provided, single submitter. Criteria: ACMG Guidelines, 2015. Collection method: clinical testing. Allele origin: germline.

Ambry Genetics
Classification: Likely benign for Cardiovascular phenotype. Last evaluated: 2019-04-16. Review status: criteria provided, single submitter. Criteria: Ambry Variant Classification Scheme 2023. Collection method: clinical testing. Allele origin: germline.

GeneDx
Classification: Likely benign. Last evaluated: 2016-10-18. Review status: criteria provided, single submitter. Criteria: GeneDx Variant Classification (06012015). Collection method: clinical testing. Allele origin: germline. Affected: yes.
Comment: This variant is considered likely benign or benign based on one or more of the following criteria: it is a conservative change, it occurs at a poorly conserved position in the protein, it is predicted to be benign by multiple in silico algorithms, and/or has population frequency not consistent with disease.